The following is an entry in ClinVar:

NM_199420.4(POLQ):c.4175T>G (p.Leu1392Arg)

Gene: POLQ (DNA polymerase theta; minus strand). Cytogenetic location: 3q13.33.
Variant type: single nucleotide variant.
Coding change: c.4175T>G on transcript NM_199420.4 (MANE Select); coding-DNA position 4175, T replaced by G.
Protein change: p.Leu1392Arg; replaces leucine 1392 with arginine.
Molecular consequence: missense variant.
Genome position (GRCh38, 1-based): chr3:121,488,756, A>C on the plus strand (T>G on the coding strand, the complement: POLQ is on the minus strand). VCF-style: chr3-121488756-A-C. GRCh37 (hg19) VCF-style: chr3-121207603-A-C.
Other names: short protein forms L1392R.
Identifiers: ClinVar variation 3229985 (VCV003229985.1), dbSNP rs762734453, ClinGen allele CA2562944.

ClinVar aggregate classification (germline): Uncertain significance (1 of 4 stars; one submission).

Allele frequency attached by ClinVar (database versions not stated): gnomAD exomes below 0.00001; ExAC 0.00001.
gnomAD v4.1: 1 of 1,614,046 alleles (0.000062%); highest among the groups gnomAD compares: Admixed American, 0.0017%; no homozygotes.

Submission:

Ambry Genetics
Classification: Uncertain significance. Last evaluated: 2024-03-03. Review status: criteria provided, single submitter. Criteria: Ambry Variant Classification Scheme 2023. Collection method: clinical testing. Allele origin: germline.
Comment: The p.L1392R variant (also known as c.4175T>G), located in coding exon 16 of the POLQ gene, results from a T to G substitution at nucleotide position 4175. The leucine at codon 1392 is replaced by arginine, an amino acid with dissimilar properties. This amino acid position is conserved. In addition, this alteration is predicted to be tolerated by in silico analysis. Based on the available evidence, the clinical significance of this alteration remains unclear.